The following is an entry in ClinVar:

ClinVar aggregate classification (germline): Uncertain significance. Review status: criteria provided, multiple submitters, no conflicts (2 of 4 stars). 2 submissions from 2 submitters: Uncertain significance (2). Last evaluated 2023-07-30.

Conditions:
Inborn genetic diseases. Identifiers: MedGen C0950123, MeSH D030342.

Allele frequency attached by ClinVar (database versions not stated): TOPMed 0.00001; gnomAD 0.00002; ExAC 0.00005.
gnomAD v4.1: 135 of 1,614,094 alleles (0.0084%); highest among the groups gnomAD compares: Non-Finnish European, 0.011%; no homozygotes.

Submissions (2):

Ambry Genetics
Classification: Uncertain significance for Inborn genetic diseases. Last evaluated: 2023-07-30. Review status: criteria provided, single submitter. Criteria: Ambry Variant Classification Scheme 2023. Collection method: clinical testing. Allele origin: germline.

Labcorp Genetics (formerly Invitae), Labcorp
Classification: Uncertain significance. Last evaluated: 2022-04-08. Review status: criteria provided, single submitter. Criteria: Invitae Variant Classification Sherloc (09022015). Collection method: clinical testing. Allele origin: germline.
Comment: In summary, the available evidence is currently insufficient to determine the role of this variant in disease. Therefore, it has been classified as a Variant of Uncertain Significance. This sequence change replaces leucine, which is neutral and non-polar, with phenylalanine, which is neutral and non-polar, at codon 2318 of the GPR179 protein (p.Leu2318Phe). This variant is present in population databases (rs775216905, gnomAD 0.007%). This variant has not been reported in the literature in individuals affected with GPR179-related conditions. Algorithms developed to predict the effect of missense changes on protein structure and function are either unavailable or do not agree on the potential impact of this missense change (SIFT: "Tolerated"; PolyPhen-2: "Possibly Damaging"; Align-GVGD: "Class C0").

NM_001004334.4(GPR179):c.6952C>T (p.Leu2318Phe)

Gene: GPR179 (G protein-coupled receptor 179; minus strand). Cytogenetic location: 17q12.
Variant type: single nucleotide variant.
Coding change: c.6952C>T on transcript NM_001004334.4 (MANE Select); coding-DNA position 6952, C replaced by T.
Protein change: p.Leu2318Phe; replaces leucine 2318 with phenylalanine.
Molecular consequence: missense variant.
Genome position (GRCh38, 1-based): chr17:38,326,617, G>A on the plus strand (C>T on the coding strand, the complement: GPR179 is on the minus strand). VCF-style: chr17-38326617-G-A. GRCh37 (hg19) VCF-style: chr17-36482500-G-A.
Other names: c.6952C>T (NM_001004334.2); short protein forms L2318F.
Identifiers: ClinVar variation 1921042 (VCV001921042.5), dbSNP rs775216905, ClinGen allele CA290102729.